The following is an entry in ClinVar:

ClinVar aggregate classification (germline): Likely benign. Review status: criteria provided, multiple submitters, no conflicts (2 of 4 stars). 2 submissions from 2 submitters: Likely benign (2). Last evaluated 2024-10-28.

Conditions:
NPHP4-related disorder. Also called: NPHP4-related condition; NPHP4-related disorders. Identifiers: MedGen CN239384.
Nephronophthisis. Also called: Juvenile Nephronophthisis. Identifiers: Orphanet 655, MedGen C0687120, MONDO:0019005, HP:0000090.

Allele frequency attached by ClinVar (database versions not stated): gnomAD exomes 0.00003 and 0.00002; TOPMed 0.00003; gnomAD 0.00004; ExAC 0.00003.
gnomAD v4.1: 35 of 1,613,680 alleles (0.0022%); highest among the groups gnomAD compares: South Asian, 0.0099%; no homozygotes.

Submissions (2):

PreventionGenetics, part of Exact Sciences
Classification: Likely benign for NPHP4-related condition. Last evaluated: 2024-10-28. Review status: criteria provided, single submitter. Criteria: ACMG Guidelines, 2015. Collection method: clinical testing. Allele origin: germline.
Comment: This variant is classified as likely benign based on ACMG/AMP sequence variant interpretation guidelines (Richards et al. 2015 PMID: 25741868, with internal and published modifications).

Labcorp Genetics (formerly Invitae), Labcorp
Classification: Likely benign for Nephronophthisis. Last evaluated: 2022-11-01. Review status: criteria provided, single submitter. Criteria: Invitae Variant Classification Sherloc (09022015). Collection method: clinical testing. Allele origin: germline.

NM_015102.5(NPHP4):c.1695C>T (p.Ala565=)

Gene: NPHP4 (nephrocystin 4; minus strand). Cytogenetic location: 1p36.31.
Variant type: single nucleotide variant.
Coding change: c.1695C>T on transcript NM_015102.5 (MANE Select); coding-DNA position 1695, C replaced by T.
Protein change: p.Ala565=; no amino-acid change (alanine 565 retained).
Molecular consequence: synonymous variant. On other transcripts: non-coding transcript variant (1).
Genome position (GRCh38, 1-based): chr1:5,905,700, G>A on the plus strand (C>T on the coding strand, the complement: NPHP4 is on the minus strand). VCF-style: chr1-5905700-G-A. GRCh37 (hg19) VCF-style: chr1-5965760-G-A.
Other names: c.156C>T, p.Ala52= (NM_001291593.2); c.159C>T, p.Ala53= (NM_001291594.2).
Identifiers: ClinVar variation 413602 (VCV000413602.9), dbSNP rs773050903, ClinGen allele CA554409.